The following is an entry in ClinVar:

NM_152703.5(SAMD9L):c.2176G>A (p.Ala726Thr)

Gene: SAMD9L (sterile alpha motif domain containing 9 like; minus strand). Cytogenetic location: 7q21.2.
Variant type: single nucleotide variant.
Coding change: c.2176G>A on transcript NM_152703.5 (MANE Select); coding-DNA position 2176, G replaced by A.
Protein change: p.Ala726Thr; replaces alanine 726 with threonine.
Molecular consequence: missense variant.
Genome position (GRCh38, 1-based): chr7:93,133,796, C>T on the plus strand (G>A on the coding strand, the complement: SAMD9L is on the minus strand). VCF-style: chr7-93133796-C-T. GRCh37 (hg19) VCF-style: chr7-92763109-C-T.
Other names: c.2176G>A, p.Ala726Thr (NM_001303496.3, NM_001303497.3, NM_001303498.3 and 5 more transcripts); short protein forms A726T.
Identifiers: ClinVar variation 2332415 (VCV002332415.5), dbSNP rs1792268134, ClinGen allele CA368192393.

ClinVar aggregate classification (germline): Uncertain significance. Review status: criteria provided, multiple submitters, no conflicts (2 of 4 stars). 2 submissions from 2 submitters: Uncertain significance (2). Last evaluated 2025-01-31.

Conditions:
Inborn genetic diseases. Identifiers: MedGen C0950123, MeSH D030342.

Allele frequency attached by ClinVar (database versions not stated): gnomAD 0.00001; TOPMed 0.00001; gnomAD exomes below 0.00001.

Submissions (2):

Ambry Genetics
Classification: Uncertain significance for Inborn genetic diseases. Last evaluated: 2025-01-31. Review status: criteria provided, single submitter. Criteria: Ambry Variant Classification Scheme 2023. Collection method: clinical testing. Allele origin: germline.
Comment: The p.A726T variant (also known as c.2176G>A), located in coding exon 1 of the SAMD9L gene, results from a G to A substitution at nucleotide position 2176. The alanine at codon 726 is replaced by threonine, an amino acid with similar properties. This amino acid position is conserved. In addition, this alteration is predicted to be tolerated by in silico analysis. Based on the available evidence, the clinical significance of this variant remains unclear.

Labcorp Genetics (formerly Invitae), Labcorp
Classification: Uncertain significance. Last evaluated: 2024-10-02. Review status: criteria provided, single submitter. Criteria: Invitae Variant Classification Sherloc (09022015). Collection method: clinical testing. Allele origin: germline.
Comment: This sequence change replaces alanine, which is neutral and non-polar, with threonine, which is neutral and polar, at codon 726 of the SAMD9L protein (p.Ala726Thr). This variant is not present in population databases (gnomAD no frequency). This variant has not been reported in the literature in individuals affected with SAMD9L-related conditions. ClinVar contains an entry for this variant (Variation ID: 2332415). Invitae Evidence Modeling of protein sequence and biophysical properties (such as structural, functional, and spatial information, amino acid conservation, physicochemical variation, residue mobility, and thermodynamic stability) indicates that this missense variant is not expected to disrupt SAMD9L protein function with a negative predictive value of 80%. In summary, the available evidence is currently insufficient to determine the role of this variant in disease. Therefore, it has been classified as a Variant of Uncertain Significance.